The following is an entry in ClinVar:

NM_198578.4(LRRK2):c.4541G>T (p.Arg1514Leu)

Gene: LRRK2 (leucine rich repeat kinase 2; plus strand). Cytogenetic location: 12q12.
Variant type: single nucleotide variant.
Coding change: c.4541G>T on transcript NM_198578.4 (MANE Select); coding-DNA position 4541, G replaced by T.
Protein change: p.Arg1514Leu; replaces arginine 1514 with leucine.
Molecular consequence: missense variant.
Genome position (GRCh38, 1-based): chr12:40,313,976, G>T. VCF-style: chr12-40313976-G-T. GRCh37 (hg19) VCF-style: chr12-40707778-G-T.
Other names: short protein forms R1514L.
Identifiers: ClinVar variation 3229661 (VCV003229661.1), dbSNP rs35507033, ClinGen allele CA384418742.

ClinVar aggregate classification (germline): Uncertain significance (1 of 4 stars; one submission).

Conditions:
Inborn genetic diseases. Identifiers: MedGen C0950123, MeSH D030342.

Submission:

Ambry Genetics
Classification: Uncertain significance for Inborn genetic diseases. Last evaluated: 2024-01-29. Review status: criteria provided, single submitter. Criteria: Ambry Variant Classification Scheme 2023. Collection method: clinical testing. Allele origin: germline.
Comment: The p.R1514L variant (also known as c.4541G>T), located in coding exon 32 of the LRRK2 gene, results from a G to T substitution at nucleotide position 4541. The arginine at codon 1514 is replaced by leucine, an amino acid with dissimilar properties. This amino acid position is conserved. In addition, the in silico prediction for this alteration is inconclusive. Based on the available evidence, the clinical significance of this alteration remains unclear.